The following is an entry in ClinVar:

NM_003742.4(ABCB11):c.872T>C (p.Val291Ala)

Gene: ABCB11 (ATP binding cassette subfamily B member 11; minus strand). Cytogenetic location: 2q31.1.
Variant type: single nucleotide variant.
Coding change: c.872T>C on transcript NM_003742.4 (MANE Select); coding-DNA position 872, T replaced by C.
Protein change: p.Val291Ala; replaces valine 291 with alanine.
Molecular consequence: missense variant.
Genome position (GRCh38, 1-based): chr2:168,990,837, A>G on the plus strand (T>C on the coding strand, the complement: ABCB11 is on the minus strand). VCF-style: chr2-168990837-A-G. GRCh37 (hg19) VCF-style: chr2-169847347-A-G.
Other names: short protein forms V291A.
Identifiers: ClinVar variation 4846200 (VCV004846200.1).

ClinVar aggregate classification (germline): Uncertain significance (1 of 4 stars; one submission).

Conditions:
Familial intrahepatic cholestasis. Identifiers: Orphanet 284385, MedGen CN296401, MONDO:0017290.

Submission:

Genomenon, Inc
Classification: Uncertain significance for Familial intrahepatic cholestasis. Last evaluated: 2026-04-14. Review status: criteria provided, single submitter. Criteria: Genomenon Sequence Variant Interpretation Standards - Updated. Collection method: curation. Allele origin: germline. Affected: yes.
Comment: ABCB11 p.Val291Ala (c.872T>C) is a missense variant that changes the amino acid at residue 291 from Valine to Alanine. This variant has been observed in at least one proband with an ABCB11-related disorder (PMID:32808743). It has been observed in trans with a pathogenic or likely pathogenic variant (PMID:32808743). It is absent or not present at a significant frequency in gnomAD. In silico models predict that this variant is possibly or probably damaging. In conclusion, we classify ABCB11 p.Val291Ala (c.872T>C) as a variant of uncertain significance.

Literature cited by the submitters: PubMed 32808743.